The following is an entry in ClinVar:

ClinVar aggregate classification (germline): Uncertain significance (1 of 4 stars; one submission).

Allele frequency attached by ClinVar (database versions not stated): TOPMed below 0.00001; gnomAD 0.00001.

Submission:

Labcorp Genetics (formerly Invitae), Labcorp
Classification: Uncertain significance. Last evaluated: 2023-02-27. Review status: criteria provided, single submitter. Criteria: Invitae Variant Classification Sherloc (09022015). Collection method: clinical testing. Allele origin: germline.
Comment: This variant is not present in population databases (gnomAD no frequency). This variant has not been reported in the literature in individuals affected with XRCC2-related conditions. This sequence change creates a premature translational stop signal (p.Thr94Asnfs*4) in the XRCC2 gene. While this is not anticipated to result in nonsense mediated decay, it is expected to disrupt the last 187 amino acid(s) of the XRCC2 protein. Experimental studies and prediction algorithms are not available or were not evaluated, and the functional significance of this variant is currently unknown. In summary, the available evidence is currently insufficient to determine the role of this variant in disease. Therefore, it has been classified as a Variant of Uncertain Significance.

NM_005431.2(XRCC2):c.280dup (p.Thr94fs)

Gene: XRCC2 (X-ray repair cross complementing 2; minus strand). Cytogenetic location: 7q36.1.
Variant type: Duplication.
Coding change: c.280dup on transcript NM_005431.2 (MANE Select); coding-DNA position 280, one base duplicated (A; older notation c.280dupA).
Protein change: p.Thr94fs; shifts the reading frame from threonine 94.
Molecular consequence: frameshift variant.
Genome position (GRCh38, 1-based): chr7:152,649,205, T duplicated on the plus strand (A on the coding strand, the reverse complement: XRCC2 is on the minus strand). VCF-style (leftmost placement, unchanged base first): chr7-152649204-G-GT. GRCh37 (hg19) VCF-style: chr7-152346289-G-GT.
Other names: short protein forms T94fs.
Identifiers: ClinVar variation 2841202 (VCV002841202.3), dbSNP rs2098027453, ClinGen allele CA1108857933.